The following is an entry in ClinVar:

ClinVar aggregate classification (germline): Uncertain significance (1 of 4 stars; one submission).

Conditions:
Familial cancer of breast. Also called: Hereditary breast cancer; hereditary breast carcinoma; BREAST CANCER, FAMILIAL. Identifiers: Orphanet 227535, MedGen C0346153, MONDO:0016419, OMIM 114480. Disease mechanism: loss of function.
Fanconi anemia complementation group J. Also called: BRIP1-Related Fanconi Anemia. Identifiers: Orphanet 84, MedGen C1836860, MONDO:0012187, OMIM 609054.

Allele frequency attached by ClinVar (database versions not stated): gnomAD exomes below 0.00001.
gnomAD v4.1: 1 of 1,603,274 alleles (0.000062%); no homozygotes.

Submission:

Labcorp Genetics (formerly Invitae), Labcorp
Classification: Uncertain significance for Familial cancer of breast; Fanconi anemia complementation group J. Last evaluated: 2018-11-15. Review status: criteria provided, single submitter. Criteria: Invitae Variant Classification Sherloc (09022015). Collection method: clinical testing. Allele origin: germline.
Comment: This sequence change falls in intron 8 of the BRIP1 gene. It does not directly change the encoded amino acid sequence of the BRIP1 protein. In summary, this is a novel intronic change with uncertain impact on splicing. It has been classified as a Variant of Uncertain Significance. Algorithms developed to predict the effect of sequence changes on RNA splicing suggest that this variant may alter RNA splicing, but this prediction has not been confirmed by published transcriptional studies. This variant is not present in population databases (ExAC no frequency) and has not been reported in the literature in individuals with a BRIP1-related disease.

NM_032043.3(BRIP1):c.1141-5T>A

Gene: BRIP1 (BRCA1 interacting DNA helicase 1; minus strand). Cytogenetic location: 17q23.2.
Variant type: single nucleotide variant.
Coding change: c.1141-5T>A on transcript NM_032043.3 (MANE Select); 5 bases into the intron before coding-DNA position 1141, T replaced by A.
Molecular consequence: intron variant.
Genome position (GRCh38, 1-based): chr17:61,799,304, A>T on the plus strand (T>A on the coding strand, the complement: BRIP1 is on the minus strand). VCF-style: chr17-61799304-A-T. GRCh37 (hg19) VCF-style: chr17-59876665-A-T.
Identifiers: ClinVar variation 407836 (VCV000407836.10), dbSNP rs1060501760, ClinGen allele CA16615522.